The following is an entry in ClinVar:

ClinVar aggregate classification (germline): Conflicting classifications of pathogenicity. Review status: criteria provided, conflicting classifications (1 of 4 stars). 4 submissions from 4 submitters: Uncertain significance (1); Likely benign (3). Last evaluated 2026-02-03.

Conditions:
Inborn genetic diseases. Identifiers: MedGen C0950123, MeSH D030342.

Allele frequency attached by ClinVar (database versions not stated): gnomAD exomes 0.00016 and 0.00033; ExAC 0.00043; gnomAD 0.00117 and 0.00127; ESP Exome Variant Server 0.00131; TOPMed 0.00139; 1000 Genomes Project 30x 0.00203; 1000 Genomes Project 0.00220.
gnomAD v4.1: 419 of 1,613,802 alleles (0.026%); highest among the groups gnomAD compares: African/African-American, 0.43%; no homozygotes.

Submissions (4):

Labcorp Genetics (formerly Invitae), Labcorp
Classification: Likely benign. Last evaluated: 2026-02-03. Review status: criteria provided, single submitter. Criteria: Invitae Variant Classification Sherloc (09022015). Collection method: clinical testing. Allele origin: germline.

Blueprint Genetics
Classification: Likely benign. Last evaluated: 2024-06-05. Review status: criteria provided, single submitter. Criteria: ACMG Guidelines, 2015. Collection method: clinical testing. Allele origin: germline.

Ambry Genetics
Classification: Likely benign for Inborn genetic diseases. Last evaluated: 2023-12-18. Review status: criteria provided, single submitter. Criteria: Ambry Variant Classification Scheme 2023. Collection method: clinical testing. Allele origin: germline.

GeneDx
Classification: Uncertain significance. Last evaluated: 2022-01-17. Review status: criteria provided, single submitter. Criteria: GeneDx Variant Classification Process June 2021. Collection method: clinical testing. Allele origin: germline. Affected: yes.
Comment: In silico analysis supports that this missense variant has a deleterious effect on protein structure/function; Has not been previously published as pathogenic or benign to our knowledge

NM_015466.4(PTPN23):c.257C>T (p.Ser86Leu)

Gene: PTPN23 (protein tyrosine phosphatase non-receptor type 23; plus strand). Cytogenetic location: 3p21.31.
Variant type: single nucleotide variant.
Coding change: c.257C>T on transcript NM_015466.4 (MANE Select); coding-DNA position 257, C replaced by T.
Protein change: p.Ser86Leu; replaces serine 86 with leucine.
Molecular consequence: missense variant. On other transcripts: intron variant (1).
Genome position (GRCh38, 1-based): chr3:47,404,749, C>T. VCF-style: chr3-47404749-C-T. GRCh37 (hg19) VCF-style: chr3-47446239-C-T.
Other names: c.-91-256C>T (NM_001304482.2); short protein forms S86L.
Identifiers: ClinVar variation 1642602 (VCV001642602.12), dbSNP rs149197378, ClinGen allele CA2365255.